The following is an entry in ClinVar:

ClinVar aggregate classification (germline): Uncertain significance. Review status: criteria provided, multiple submitters, no conflicts (2 of 4 stars). 5 submissions from 5 submitters: Uncertain significance (5). Last evaluated 2025-01-13.

Conditions:
Inborn genetic diseases. Identifiers: MedGen C0950123, MeSH D030342.
Familial focal epilepsy with variable foci (FPEVF). Identifiers: Orphanet 98820, MedGen C1858477, MONDO:0020310.
Epilepsy, familial focal, with variable foci 1 (FFEVF1). Also called: DEPDC5-Related Epilepsy. Identifiers: MedGen C4551983, MONDO:0024556, OMIM 604364.
Developmental and epileptic encephalopathy 111 (DEE111). Identifiers: MedGen C5882690, MONDO:0957780, OMIM 620504.

Allele frequency attached by ClinVar (database versions not stated): TOPMed 0.00004.
gnomAD v4.1: 28 of 1,613,972 alleles (0.0017%); highest among the groups gnomAD compares: Middle Eastern, 0.016%; no homozygotes.

Submissions (5):

Labcorp Genetics (formerly Invitae), Labcorp
Classification: Uncertain significance for Familial focal epilepsy with variable foci. Last evaluated: 2025-01-13. Review status: criteria provided, single submitter. Criteria: Invitae Variant Classification Sherloc (09022015). Collection method: clinical testing. Allele origin: germline.
Comment: This sequence change replaces arginine, which is basic and polar, with leucine, which is neutral and non-polar, at codon 763 of the DEPDC5 protein (p.Arg763Leu). This variant is present in population databases (rs542384516, gnomAD 0.002%). This variant has not been reported in the literature in individuals affected with DEPDC5-related conditions. ClinVar contains an entry for this variant (Variation ID: 941938). Experimental studies and prediction algorithms are not available or were not evaluated, and the functional significance of this variant is currently unknown. In summary, the available evidence is currently insufficient to determine the role of this variant in disease. Therefore, it has been classified as a Variant of Uncertain Significance.

Fulgent Genetics
Classification: Uncertain significance for Epilepsy, familial focal, with variable foci 1; Developmental and epileptic encephalopathy 111. Last evaluated: 2024-02-20. Review status: criteria provided, single submitter. Criteria: ACMG Guidelines, 2015. Collection method: clinical testing. Allele origin: germline.

Women's Health and Genetics/Laboratory Corporation of America, LabCorp
Classification: Uncertain significance. Last evaluated: 2023-09-15. Review status: criteria provided, single submitter. Criteria: LabCorp Variant Classification Summary - May 2015. Collection method: clinical testing. Allele origin: germline.
Comment: Variant summary: DEPDC5 c.2288G>T (p.Arg763Leu) results in a non-conservative amino acid change in the encoded protein sequence. Four of five in-silico tools predict a damaging effect of the variant on protein function. The variant allele was found at a frequency of 8e-06 in 249502 control chromosomes. The available data on variant occurrences in the general population are insufficient to allow any conclusion about variant significance. To our knowledge, no occurrence of c.2288G>T in individuals affected with DEPDC5-related conditions and no experimental evidence demonstrating its impact on protein function have been reported. Three submitters have cited clinical-significance assessments for this variant to ClinVar after 2014, and all submitters classified the variant as uncertain significance. Based on the evidence outlined above, the variant was classified as uncertain significance.

Ambry Genetics
Classification: Uncertain significance for Inborn genetic diseases. Last evaluated: 2023-05-08. Review status: criteria provided, single submitter. Criteria: Ambry Variant Classification Scheme 2023. Collection method: clinical testing. Allele origin: germline.

GeneDx
Classification: Uncertain significance. Last evaluated: 2022-12-16. Review status: criteria provided, single submitter. Criteria: GeneDx Variant Classification Process June 2021. Collection method: clinical testing. Allele origin: germline. Affected: yes.
Comment: In silico analysis supports that this missense variant has a deleterious effect on protein structure/function; Has not been previously published as pathogenic or benign to our knowledge

NM_001242896.3(DEPDC5):c.2288G>T (p.Arg763Leu)

Gene: DEPDC5 (DEP domain containing 5, GATOR1 subcomplex subunit; plus strand). Cytogenetic location: 22q12.3.
Variant type: single nucleotide variant.
Coding change: c.2288G>T on transcript NM_001242896.3 (MANE Select); coding-DNA position 2288, G replaced by T.
Protein change: p.Arg763Leu; replaces arginine 763 with leucine.
Molecular consequence: missense variant. On other transcripts: non-coding transcript variant (4).
Genome position (GRCh38, 1-based): chr22:31,837,089, G>T. VCF-style: chr22-31837089-G-T. GRCh37 (hg19) VCF-style: chr22-32233075-G-T.
Other names: c.2261G>T, p.Arg754Leu (NM_001136029.4, NM_001369903.1, NM_014662.6); c.2054G>T, p.Arg685Leu (NM_001242897.2, NM_001363854.2, NM_001364319.2); c.2288G>T, p.Arg763Leu (NM_001363852.2, NM_001364318.2, NM_001364320.2); c.2204G>T, p.Arg735Leu (NM_001369901.1, NM_001369902.1); short protein forms R685L, R763L, R735L, R754L.
Identifiers: ClinVar variation 941938 (VCV000941938.13), dbSNP rs542384516, ClinGen allele CA10196677.
Genomic context (GRCh38, chr22:31,837,089, plus strand): 5'-ACTGGAAGTCTCTCACTACTCCGGCGTGCCTCCCCCTTACCACCGACTACTTCCCTGACC[G>T]CCAGGGCCTGCAGAATGACTACACAGAGGGCTGTTATGATCTCCTTCCAGAAGCAGACAT-3'
Protein context (NP_001229825.1, residues 753-773): LPLTTDYFPD[Arg763Leu]QGLQNDYTEG